The following is an entry in ClinVar:

ClinVar aggregate classification (germline): Uncertain significance (1 of 4 stars; one submission).

Conditions:
Dyskeratosis congenita, autosomal dominant 2. Identifiers: MedGen C3151443, MONDO:0013521, OMIM 613989.
Idiopathic Pulmonary Fibrosis. Also called: Idiopathic fibrosing alveolitis, chronic form; idiopathic fibrosing alveolitis. Identifiers: Orphanet 2032, MedGen C1800706, MeSH D054990, MONDO:0800504.

gnomAD v4.1: 1 of 1,574,764 alleles (0.000064%); highest among the groups gnomAD compares: Non-Finnish European, 0.000086%; no homozygotes.

Submission:

Labcorp Genetics (formerly Invitae), Labcorp
Classification: Uncertain significance for Dyskeratosis congenita, autosomal dominant 2; Idiopathic Pulmonary Fibrosis. Last evaluated: 2022-12-12. Review status: criteria provided, single submitter. Criteria: Invitae Variant Classification Sherloc (09022015). Collection method: clinical testing. Allele origin: germline.
Comment: Advanced modeling of protein sequence and biophysical properties (such as structural, functional, and spatial information, amino acid conservation, physicochemical variation, residue mobility, and thermodynamic stability) performed at Invitae indicates that this missense variant is not expected to disrupt TERT protein function. This sequence change replaces glycine, which is neutral and non-polar, with arginine, which is basic and polar, at codon 398 of the TERT protein (p.Gly398Arg). This variant is not present in population databases (gnomAD no frequency). This variant has not been reported in the literature in individuals affected with TERT-related conditions. In summary, the available evidence is currently insufficient to determine the role of this variant in disease. Therefore, it has been classified as a Variant of Uncertain Significance.

NM_198253.3(TERT):c.1192G>A (p.Gly398Arg)

Gene: TERT (telomerase reverse transcriptase; minus strand). Cytogenetic location: 5p15.33.
Variant type: single nucleotide variant.
Coding change: c.1192G>A on transcript NM_198253.3 (MANE Select); coding-DNA position 1192, G replaced by A.
Protein change: p.Gly398Arg; replaces glycine 398 with arginine.
Molecular consequence: missense variant. On other transcripts: non-coding transcript variant (2).
Genome position (GRCh38, 1-based): chr5:1,293,694, C>T on the plus strand (G>A on the coding strand, the complement: TERT is on the minus strand). VCF-style: chr5-1293694-C-T. GRCh37 (hg19) VCF-style: chr5-1293809-C-T.
Other names: c.1192G>A, p.Gly398Arg (NM_001193376.3, NM_003219.1); short protein forms G398R.
Identifiers: ClinVar variation 2940842 (VCV002940842.3), dbSNP rs1413910260, ClinGen allele CA359086594.
Genomic context (GRCh38, chr5:1,293,694, plus strand): 5'-CAGCTCGCAGCGGGCAGTGCGTCTTGAGGAGCACCCCGTAGGGGCACTGCGCGTGGTTCC[C>T]AAGCAGCTCCAGAAACAGGGGCCGCATTTGCCAGTAGCGCTGGGGCAGGCGGGGCAACCT-3'
Protein context (NP_937983.2, residues 388-408): QMRPLFLELL[Gly398Arg]NHAQCPYGVL